The following is an entry in ClinVar:

NM_130810.4(DNAAF4):c.-2G>A

Genes: DNAAF4 (dynein axonemal assembly factor 4; minus strand), DNAAF4-CCPG1 (DNAAF4-CCPG1 readthrough (NMD candidate); minus strand). Cytogenetic location: 15q21.3.
Variant type: single nucleotide variant.
Coding change: c.-2G>A on transcript NM_130810.4 (MANE Select); 2 bases upstream of the start codon, G replaced by A.
Molecular consequence: 5 prime UTR variant. On other transcripts: non-coding transcript variant (1).
Genome position (GRCh38, 1-based): chr15:55,498,331, C>T on the plus strand (G>A on the coding strand, the complement: DNAAF4 is on the minus strand). VCF-style: chr15-55498331-C-T. GRCh37 (hg19) VCF-style: chr15-55790529-C-T.
Other names: c.-2G>A (NM_001033559.3, NM_001033560.2).
Identifiers: ClinVar variation 1189290 (VCV001189290.27), dbSNP rs142084351, ClinGen allele CA7575185.

ClinVar aggregate classification (germline): Likely benign. Review status: criteria provided, multiple submitters, no conflicts (2 of 4 stars). 4 submissions from 4 submitters: Likely benign (4). Last evaluated 2026-04-01.

Allele frequency attached by ClinVar (database versions not stated): ExAC 0.00057; gnomAD exomes 0.00065; ESP Exome Variant Server 0.00077.
gnomAD v4.1: 1,497 of 1,600,472 alleles (0.094%); highest among the groups gnomAD compares: Non-Finnish European, 0.12%; 2 homozygotes.

Submissions (4):

CeGaT Center for Human Genetics Tuebingen
Classification: Likely benign. Last evaluated: 2026-04-01. Review status: criteria provided, single submitter. Criteria: CeGaT Center For Human Genetics Tuebingen Variant Classification Criteria Version 2. Collection method: clinical testing. Allele origin: germline. Affected: yes. Observed: 3 variant alleles.
Comment: DNAAF4: BP4, BS1

Mayo Clinic Laboratories, Mayo Clinic
Classification: Likely benign. Last evaluated: 2025-09-09. Review status: criteria provided, single submitter. Criteria: ACMG Guidelines, 2015. Collection method: clinical testing. Allele origin: germline. Observed: 1 variant allele.
Comment: BP4, BP7

GeneDx
Classification: Likely benign. Last evaluated: 2020-10-12. Review status: criteria provided, single submitter. Criteria: GeneDx Variant Classification Process June 2021. Collection method: clinical testing. Allele origin: germline. Affected: yes.
Comment: This variant is associated with the following publications: (PMID: 16133186, 15520411, 22669497, 21507613, 15702132, 12954984, 16280601)

Breakthrough Genomics
Classification: Likely benign. Review status: criteria provided, single submitter. Criteria: ACMG Guidelines, 2015. Collection method: not provided. Allele origin: germline. Inheritance: Autosomal recessive inheritance. Affected: yes.